The following is an entry in ClinVar:

ClinVar aggregate classification (germline): Uncertain significance (1 of 4 stars; one submission).

gnomAD v4.1: 2 of 1,613,848 alleles (0.00012%); highest among the groups gnomAD compares: Admixed American, 0.0017%; no homozygotes.

Submission:

Labcorp Genetics (formerly Invitae), Labcorp
Classification: Uncertain significance. Last evaluated: 2025-12-01. Review status: criteria provided, single submitter. Criteria: Invitae Variant Classification Sherloc (09022015). Collection method: clinical testing. Allele origin: germline.
Comment: This sequence change replaces cysteine, which is neutral and slightly polar, with phenylalanine, which is neutral and non-polar, at codon 794 of the POLE protein (p.Cys794Phe). This variant is not present in population databases (gnomAD no frequency). This variant has not been reported in the literature in individuals affected with POLE-related conditions. ClinVar contains an entry for this variant (Variation ID: 1026899). Invitae Evidence Modeling of protein sequence and biophysical properties (such as structural, functional, and spatial information, amino acid conservation, physicochemical variation, residue mobility, and thermodynamic stability) indicates that this missense variant is not expected to disrupt POLE protein function with a negative predictive value of 80%. In summary, the available evidence is currently insufficient to determine the role of this variant in disease. Therefore, it has been classified as a Variant of Uncertain Significance.

NM_006231.4(POLE):c.2381G>T (p.Cys794Phe)

Gene: POLE (DNA polymerase epsilon, catalytic subunit; minus strand). Cytogenetic location: 12q24.33.
Variant type: single nucleotide variant.
Coding change: c.2381G>T on transcript NM_006231.4 (MANE Select); coding-DNA position 2381, G replaced by T.
Protein change: p.Cys794Phe; replaces cysteine 794 with phenylalanine.
Molecular consequence: missense variant.
Genome position (GRCh38, 1-based): chr12:132,665,389, C>A on the plus strand (G>T on the coding strand, the complement: POLE is on the minus strand). VCF-style: chr12-132665389-C-A. GRCh37 (hg19) VCF-style: chr12-133241975-C-A.
Other names: short protein forms C794F.
Identifiers: ClinVar variation 1026899 (VCV001026899.8), dbSNP rs2042771973, ClinGen allele CA387397501.
Genomic context (GRCh38, chr12:132,665,389, plus strand): 5'-GAGTTCAGGATGCACTTGTGGGCCAGCTGCAGCGAGTCATACAGCACCTCCATGTTCTTG[C>A]AGCGCTTCACCTCAGCCGCGTCGCCCACCTCCACGGCCGCCGAGAGCTTCTTTTTCCACA-3'
Protein context (NP_006222.2, residues 784-804): EVGDAAEVKR[Cys794Phe]KNMEVLYDSL